The following is an entry in ClinVar:

NM_001002295.2(GATA3):c.528_529insTGCTCGGCC (p.Ala176_Arg177insCysSerAla)

Gene: GATA3 (GATA binding protein 3; plus strand). Cytogenetic location: 10p14.
Variant type: Insertion.
Coding change: c.528_529insTGCTCGGCC on transcript NM_001002295.2 (MANE Select); coding-DNA positions 528 to 529, TGCTCGGCC inserted.
Protein change: p.Ala176_Arg177insCysSerAla.
Genome position: GRCh38 VCF-style: chr10-8058583-G-GGCTCGGCCT. GRCh37 (hg19) VCF-style: chr10-8100546-G-GGCTCGGCCT.
Other names: c.528_529insTGCTCGGCC, p.Ala176_Arg177insCysSerAla (NM_001441115.1, NM_001441116.1, NM_001441117.1 and 18 more transcripts).
Identifiers: ClinVar variation 4531004 (VCV004531004.1).

ClinVar aggregate classification (germline): Uncertain significance (1 of 4 stars; one submission).

Submission:

GeneDx
Classification: Uncertain significance. Last evaluated: 2025-05-21. Review status: criteria provided, single submitter. Criteria: GeneDx Variant Classification Process June 2021. Collection method: clinical testing. Allele origin: germline. Affected: yes.
Comment: Not observed at significant frequency in large population cohorts (gnomAD); In-frame insertion of 3 amino acid(s) in a non-repeat region; Has not been previously published as pathogenic or benign to our knowledge